The following is an entry in ClinVar:

ClinVar aggregate classification (germline): Uncertain significance. Review status: criteria provided, multiple submitters, no conflicts (2 of 4 stars). 3 submissions from 3 submitters: Uncertain significance (3). Last evaluated 2025-12-10.

Conditions:
Cardiovascular phenotype. Identifiers: MedGen CN230736.
Distal myopathy with posterior leg and anterior hand involvement. Also called: WILLIAMS DISTAL MYOPATHY. Identifiers: Orphanet 63273, MedGen C3279722, MONDO:0013550, OMIM 614065.
Myofibrillar myopathy 5. Also called: Filaminopathy (type); FILAMINOPATHY, AUTOSOMAL DOMINANT. Identifiers: Orphanet 171445, MedGen C1836050, MONDO:0012289, OMIM 609524.
Hypertrophic cardiomyopathy 26. Also called: Cardiomyopathy, familial hypertrophic, 26. Identifiers: Orphanet 75249, MedGen C4310749, MONDO:0014883, OMIM 617047.

Allele frequency attached by ClinVar (database versions not stated): gnomAD exomes below 0.00001; gnomAD 0.00001; TOPMed 0.00001.
gnomAD v4.1: 4 of 1,613,950 alleles (0.00025%); highest among the groups gnomAD compares: African/African-American, 0.0013%; no homozygotes.

Submissions (3):

Ambry Genetics
Classification: Uncertain significance for Cardiovascular phenotype. Last evaluated: 2025-12-10. Review status: criteria provided, single submitter. Criteria: Ambry Variant Classification Scheme 2023. Collection method: clinical testing. Allele origin: germline.
Comment: The p.T830I variant (also known as c.2489C>T), located in coding exon 16 of the FLNC gene, results from a C to T substitution at nucleotide position 2489. The threonine at codon 830 is replaced by isoleucine, an amino acid with similar properties. This amino acid position is conserved. In addition, this alteration is predicted to be deleterious by in silico analysis. Based on the available evidence, the clinical significance of this variant remains unclear.

GeneDx
Classification: Uncertain significance. Last evaluated: 2022-05-20. Review status: criteria provided, single submitter. Criteria: GeneDx Variant Classification Process June 2021. Collection method: clinical testing. Allele origin: germline. Affected: yes.
Comment: Has not been previously published as pathogenic or benign to our knowledge; Not observed at significant frequency in large population cohorts (gnomAD); In silico analysis supports that this missense variant has a deleterious effect on protein structure/function

Labcorp Genetics (formerly Invitae), Labcorp
Classification: Uncertain significance for Distal myopathy with posterior leg and anterior hand involvement; Myofibrillar myopathy 5; Hypertrophic cardiomyopathy 26. Last evaluated: 2022-03-18. Review status: criteria provided, single submitter. Criteria: Invitae Variant Classification Sherloc (09022015). Collection method: clinical testing. Allele origin: germline.
Comment: This sequence change replaces threonine, which is neutral and polar, with isoleucine, which is neutral and non-polar, at codon 830 of the FLNC protein (p.Thr830Ile). This variant is not present in population databases (gnomAD no frequency). This variant has not been reported in the literature in individuals affected with FLNC-related conditions. ClinVar contains an entry for this variant (Variation ID: 1059353). Algorithms developed to predict the effect of missense changes on protein structure and function are either unavailable or do not agree on the potential impact of this missense change (SIFT: "Deleterious"; PolyPhen-2: "Probably Damaging"; Align-GVGD: "Class C0"). In summary, the available evidence is currently insufficient to determine the role of this variant in disease. Therefore, it has been classified as a Variant of Uncertain Significance.

NM_001458.5(FLNC):c.2489C>T (p.Thr830Ile)

Gene: FLNC (filamin C; plus strand). Cytogenetic location: 7q32.1.
Variant type: single nucleotide variant.
Coding change: c.2489C>T on transcript NM_001458.5 (MANE Select); coding-DNA position 2489, C replaced by T.
Protein change: p.Thr830Ile; replaces threonine 830 with isoleucine.
Molecular consequence: missense variant.
Genome position (GRCh38, 1-based): chr7:128,842,893, C>T. VCF-style: chr7-128842893-C-T. GRCh37 (hg19) VCF-style: chr7-128482947-C-T.
Other names: c.2489C>T, p.Thr830Ile (NM_001127487.2); short protein forms T830I.
Identifiers: ClinVar variation 1059353 (VCV001059353.11), dbSNP rs1367245869, ClinGen allele CA369191768.